The following is an entry in ClinVar:

ClinVar aggregate classification (germline): Pathogenic (0 of 4 stars; one submission).

Conditions:
Congenital afibrinogenemia. Identifiers: Orphanet 335, Orphanet 98880, MedGen C2584774, MONDO:0008737, OMIM 202400.

Submission:

Biochemistry Laboratory, Bechir Hamza Children's Hospital
Classification: Pathogenic for Congenital afibrinogenemia. Last evaluated: 2019-11-27. Review status: no assertion criteria provided. Collection method: research. Allele origin: germline. Inheritance: Autosomal recessive inheritance. Affected: yes. Observed: 1 homozygote.
Comment: The clinical course was finally uneventful. All coagulation-based tests were severely affected, including an infinitely prolonged activated partial thromboplastin time, a severely reduced prothrombin activity and an infinitely prolonged thrombin time. Further investigations showed that all plasma-clotting factors were in the normal range except fibrinogen, which was extremely reduced (0.31g/L) when measured by the Clauss method and (0.36g/L) when assayed by the turbidimetric latex immunoassay, suggesting severe hypofibrinogenemia

NM_021870.3(FGG):c.666+23T>A

Gene: FGG (fibrinogen gamma chain; minus strand). Cytogenetic location: 4q32.1.
Variant type: single nucleotide variant.
Coding change: c.666+23T>A on transcript NM_021870.3 (MANE Select); 23 bases into the intron after coding-DNA position 666, T replaced by A.
Molecular consequence: intron variant.
Genome position (GRCh38, 1-based): chr4:154,609,607, A>T on the plus strand (T>A on the coding strand, the complement: FGG is on the minus strand). VCF-style: chr4-154609607-A-T. GRCh37 (hg19) VCF-style: chr4-155530759-A-T.
Other names: c.666+23T>A (ENST00000336098.8, NM_000509.6).
Identifiers: ClinVar variation 800570 (VCV000800570.3), dbSNP rs1578810856, ClinGen allele CA915943207.